The following is an entry in ClinVar:

NM_000179.3(MSH6):c.339C>T (p.His113=)

Gene: MSH6 (mutS homolog 6; plus strand). Cytogenetic location: 2p16.3.
Variant type: single nucleotide variant.
Coding change: c.339C>T on transcript NM_000179.3 (MANE Select); coding-DNA position 339, C replaced by T.
Protein change: p.His113=; no amino-acid change (histidine 113 retained).
Molecular consequence: synonymous variant. On other transcripts: 5 prime UTR variant (2), intron variant (1).
Genome position (GRCh38, 1-based): chr2:47,791,005, C>T. VCF-style: chr2-47791005-C-T. GRCh37 (hg19) VCF-style: chr2-48018144-C-T.
Other names: c.-398C>T (NM_001281493.2); c.-564C>T (NM_001281494.2); c.237+7535C>T (NM_001281492.2).
Identifiers: ClinVar variation 336439 (VCV000336439.26), dbSNP rs886056141, ClinGen allele CA10613588.

ClinVar aggregate classification (germline): Conflicting classifications of pathogenicity. Review status: criteria provided, conflicting classifications (1 of 4 stars). 9 submissions from 9 submitters: Uncertain significance (1); Benign (1); Likely benign (6). 1 of the submissions does not count toward it. Last evaluated 2026-01-20.

Conditions:
Hereditary nonpolyposis colorectal neoplasms. Identifiers: MedGen C0009405, MeSH D003123.
Breast and/or ovarian cancer. Identifiers: MedGen CN221562.
Malignant tumor of breast. Also called: Malignant breast neoplasm; Cancer breast. Identifiers: MedGen C0006142, MONDO:0007254. Disease mechanism: loss of function.
Hereditary cancer-predisposing syndrome. Also called: Hereditary Cancer Syndrome; Neoplastic Syndromes, Hereditary; Tumor predisposition; Hereditary neoplastic syndrome. Identifiers: Orphanet 140162, MedGen C0027672, MeSH D009386, MONDO:0015356.
Lynch syndrome 5 (LYNCH5). Also called: Colorectal cancer, hereditary nonpolyposis, type 5; Hereditary non-polyposis colorectal cancer, type 5. Identifiers: Orphanet 144, MedGen C1833477, MONDO:0013710, OMIM 614350. Disease mechanism: loss of function.

Submissions (9):

Labcorp Genetics (formerly Invitae), Labcorp
Classification: Likely benign for Hereditary nonpolyposis colorectal neoplasms. Last evaluated: 2026-01-20. Review status: criteria provided, single submitter. Criteria: Invitae Variant Classification Sherloc (09022015). Collection method: clinical testing. Allele origin: germline.

Myriad Genetics, Inc.
Classification: Benign for Lynch syndrome 5. Last evaluated: 2024-12-18. Review status: criteria provided, single submitter. Criteria: Myriad Autosomal Dominant, Autosomal Recessive and X-Linked Classification Criteria (2023). Collection method: clinical testing. Allele origin: unknown.
Comment: This variant is considered benign. This variant is a silent/synonymous amino acid change and it is not expected to impact splicing.

CHEO Genetics Diagnostic Laboratory, Children's Hospital of Eastern Ontario
Classification: Likely benign for Breast and/or ovarian cancer. Last evaluated: 2022-02-23. Review status: criteria provided, single submitter. Criteria: ACMG Guidelines, 2015. Collection method: clinical testing. Allele origin: germline.

Women's Health and Genetics/Laboratory Corporation of America, LabCorp
Classification: Likely benign. Last evaluated: 2019-08-29. Review status: criteria provided, single submitter. Criteria: LabCorp Variant Classification Summary - May 2015. Collection method: clinical testing. Allele origin: germline.

GeneDx
Classification: Likely benign. Last evaluated: 2018-05-24. Review status: criteria provided, single submitter. Criteria: GeneDx Variant Classification (06012015). Collection method: clinical testing. Allele origin: germline. Affected: yes.
Comment: This variant is considered likely benign or benign based on one or more of the following criteria: it is a conservative change, it occurs at a poorly conserved position in the protein, it is predicted to be benign by multiple in silico algorithms, and/or has population frequency not consistent with disease.

Illumina Laboratory Services, Illumina
Classification: Uncertain significance for Lynch syndrome 5. Last evaluated: 2018-01-12. Review status: criteria provided, single submitter. Criteria: ICSL Variant Classification Criteria 13 December 2019. Collection method: clinical testing. Allele origin: germline.

Color Diagnostics, LLC DBA Color Health
Classification: Likely benign for Hereditary cancer-predisposing syndrome. Last evaluated: 2016-07-05. Review status: criteria provided, single submitter. Criteria: ACMG Guidelines, 2015. Collection method: clinical testing. Allele origin: germline.

Ambry Genetics
Classification: Likely benign for Hereditary cancer-predisposing syndrome. Last evaluated: 2016-01-05. Review status: criteria provided, single submitter. Criteria: Ambry Variant Classification Scheme 2023. Collection method: clinical testing. Allele origin: germline.

Department of Pathology and Laboratory Medicine, Sinai Health System
Classification: Uncertain significance for Malignant tumor of breast. Review status: no assertion criteria provided. Collection method: clinical testing. Allele origin: unknown. Affected: yes. Study: The Canadian Open Genetics Repository (COGR). Not counted in ClinVar's aggregate classification.
Comment: The MSH6 p.His113= variant was not identified in the literature nor was it identified in the dbSNP, GeneInsight-COGR, Cosmic, MutDB, UMD-LSDB, Insight Colon Cancer Gene Variant Database, Zhejiang Colon Cancer Database, Mismatch Repair Genes Variant Database, Insight Hereditary Tumors Database, the 1000 Genomes Project, the NHLBI GO Exome Sequencing Project, the Exome Aggregation Consortium (August 8th 2016), or the Genome Aggregation Database (Feb 27, 2017). The variant was identified in ClinVar (classified as uncertain significance by Illumina and Likely benign by Invitae), and Clinvitae (1x). The p.His113= variant is not expected to have clinical significance because it does not result in a change of amino acid and is not located in a known consensus splice site. In addition, in silico or computational prediction software programs (SpliceSiteFinder, MaxEntScan, NNSPLICE, GeneSplicer, HumanSpliceFinder) do not predict a difference in splicing. In summary, based on the above information the clinical significance of this variant cannot be determined with certainty at this time. This variant is classified as a variant of uncertain significance.